The following is an entry in ClinVar:

NM_000443.4(ABCB4):c.1425G>A (p.Val475=)

Gene: ABCB4 (ATP binding cassette subfamily B member 4; minus strand). Cytogenetic location: 7q21.12.
Variant type: single nucleotide variant.
Coding change: c.1425G>A on transcript NM_000443.4 (MANE Select); coding-DNA position 1425, G replaced by A.
Protein change: p.Val475=; no amino-acid change (valine 475 retained).
Molecular consequence: synonymous variant.
Genome position (GRCh38, 1-based): chr7:87,440,334, C>T on the plus strand (G>A on the coding strand, the complement: ABCB4 is on the minus strand). VCF-style: chr7-87440334-C-T. GRCh37 (hg19) VCF-style: chr7-87069650-C-T.
Other names: c.1425G>A, p.Val475= (NM_018849.3, NM_018850.3).
Identifiers: ClinVar variation 3622085 (VCV003622085.3).
Genomic context (GRCh38, chr7:87,440,334, plus strand): 5'-TCCACGGCCATAACAAATATTTTCAGCAATTGTGGTGGAAAACAGCACCGGCTCCTGACT[C>T]ACCACACCAATGATTTCCCTCAGATAGTTTACATTAAAGTTCCTAATATCCTGCCCATCA-3'
Protein context (NP_000434.1, residues 465-485): VNYLREIIGV[Val475=]SQEPVLFSTT

ClinVar aggregate classification (germline): Likely benign. Review status: criteria provided, multiple submitters, no conflicts (2 of 4 stars). 2 submissions from 2 submitters: Likely benign (2). Last evaluated 2026-04-14.

Conditions:
Low phospholipid associated cholelithiasis (GBD1). Also called: Gallstone cholecystitis; Gallbladder disease 1. Identifiers: Orphanet 69663, MedGen C2609268, MONDO:0010939, OMIM 600803.
Familial intrahepatic cholestasis. Identifiers: Orphanet 284385, MedGen CN296401, MONDO:0017290.

gnomAD v4.1: 11 of 1,614,046 alleles (0.00068%); highest among the groups gnomAD compares: African/African-American, 0.004%; no homozygotes.

Submissions (2):

Genomenon, Inc
Classification: Likely benign for Familial intrahepatic cholestasis; Low phospholipid associated cholelithiasis. Last evaluated: 2026-04-14. Review status: criteria provided, single submitter. Criteria: Genomenon Sequence Variant Interpretation Standards - Updated. Collection method: curation. Allele origin: germline. Affected: no.
Comment: ABCB4 c.1425G>A is a synonymous variant that retains Valine at residue 475. This variant has been reported in the published literature (PMID:30079523). It is absent or not present at a significant frequency in gnomAD. This synonymous variant is not predicted to impact splicing. In conclusion, we classify ABCB4 p.Val475= (c.1425G>A) as a likely benign variant.

Labcorp Genetics (formerly Invitae), Labcorp
Classification: Likely benign. Last evaluated: 2024-03-17. Review status: criteria provided, single submitter. Criteria: Invitae Variant Classification Sherloc (09022015). Collection method: clinical testing. Allele origin: germline.

Literature cited by the submitters: PubMed 30079523 (cited by Genomenon, Inc).